The following is an entry in ClinVar:

NM_003803.4(MYOM1):c.1862G>C (p.Trp621Ser)

Gene: MYOM1 (myomesin 1; minus strand). Cytogenetic location: 18p11.31.
Variant type: single nucleotide variant.
Coding change: c.1862G>C on transcript NM_003803.4 (MANE Select); coding-DNA position 1862, G replaced by C.
Protein change: p.Trp621Ser; replaces tryptophan 621 with serine.
Molecular consequence: missense variant.
Genome position (GRCh38, 1-based): chr18:3,149,183, C>G on the plus strand (G>C on the coding strand, the complement: MYOM1 is on the minus strand). VCF-style: chr18-3149183-C-G. GRCh37 (hg19) VCF-style: chr18-3149181-C-G.
Other names: c.1862G>C, p.Trp621Ser (NM_019856.2); short protein forms W621S.
Identifiers: ClinVar variation 2980819 (VCV002980819.3), dbSNP rs1275547775, ClinGen allele CA401713936.

ClinVar aggregate classification (germline): Uncertain significance (1 of 4 stars; one submission).

Conditions:
Hypertrophic cardiomyopathy. Also called: HYPERTROPHIC MYOCARDIOPATHY. Identifiers: Orphanet 217569, MedGen C0007194, MeSH D002312, MONDO:0005045, HP:0001639.

Allele frequency attached by ClinVar (database versions not stated): gnomAD 0.00001.
gnomAD v4.1: 1 of 1,613,788 alleles (0.000062%); highest among the groups gnomAD compares: Middle Eastern, 0.016%; no homozygotes.

Submission:

Labcorp Genetics (formerly Invitae), Labcorp
Classification: Uncertain significance for Hypertrophic cardiomyopathy. Last evaluated: 2023-11-17. Review status: criteria provided, single submitter. Criteria: Invitae Variant Classification Sherloc (09022015). Collection method: clinical testing. Allele origin: germline.
Comment: This sequence change replaces tryptophan, which is neutral and slightly polar, with serine, which is neutral and polar, at codon 621 of the MYOM1 protein (p.Trp621Ser). This variant is present in population databases (no rsID available, gnomAD 0.007%). This variant has not been reported in the literature in individuals affected with MYOM1-related conditions. Advanced modeling of protein sequence and biophysical properties (such as structural, functional, and spatial information, amino acid conservation, physicochemical variation, residue mobility, and thermodynamic stability) has been performed at Invitae for this missense variant, however the output from this modeling did not meet the statistical confidence thresholds required to predict the impact of this variant on MYOM1 protein function. In summary, the available evidence is currently insufficient to determine the role of this variant in disease. Therefore, it has been classified as a Variant of Uncertain Significance.